The following is an entry in ClinVar:

NM_003079.5(SMARCE1):c.967G>T (p.Glu323Ter)

Gene: SMARCE1 (SWI/SNF related BAF chromatin remodeling complex subunit E1; minus strand). Cytogenetic location: 17q21.2.
Variant type: single nucleotide variant.
Coding change: c.967G>T on transcript NM_003079.5 (MANE Select); coding-DNA position 967, G replaced by T.
Protein change: p.Glu323Ter; replaces glutamic acid 323 with a stop codon.
Molecular consequence: nonsense.
Genome position (GRCh38, 1-based): chr17:40,630,774, C>A on the plus strand (G>T on the coding strand, the complement: SMARCE1 is on the minus strand). VCF-style: chr17-40630774-C-A. GRCh37 (hg19) VCF-style: chr17-38787026-C-A.
Other names: short protein forms E323*.
Identifiers: ClinVar variation 3651960 (VCV003651960.2).

ClinVar aggregate classification (germline): Pathogenic (1 of 4 stars; one submission).

Conditions:
Familial meningioma. Also called: Meningioma, familial, susceptibility to. Identifiers: Orphanet 263662, MedGen C3551915, MONDO:0011789, OMIM 607174.

Submission:

Labcorp Genetics (formerly Invitae), Labcorp
Classification: Pathogenic for Familial meningioma. Last evaluated: 2025-01-30. Review status: criteria provided, single submitter. Criteria: Invitae Variant Classification Sherloc (09022015). Collection method: clinical testing. Allele origin: germline.
Comment: This sequence change creates a premature translational stop signal (p.Glu323*) in the SMARCE1 gene. It is expected to result in an absent or disrupted protein product. Loss-of-function variants in SMARCE1 are known to be pathogenic (PMID: 23377182). This variant is not present in population databases (gnomAD no frequency). This variant has not been reported in the literature in individuals affected with SMARCE1-related conditions. For these reasons, this variant has been classified as Pathogenic.

Literature cited by the submitters: PubMed 23377182.